The following is an entry in ClinVar:

ClinVar aggregate classification (germline): Pathogenic. Review status: criteria provided, single submitter (1 of 4 stars). 2 submissions from 2 submitters: Pathogenic (1). 1 of the submissions does not count toward it. Last evaluated 2023-05-09.

Conditions:
Junctional epidermolysis bullosa with pyloric atresia. Also called: APLASIA CUTIS CONGENITA WITH GASTROINTESTINAL ATRESIA; CARMI SYNDROME; EPIDERMOLYSIS BULLOSA, JUNCTIONAL 5B, WITH PYLORIC ATRESIA; EB-PA-ACC; Junctional Epidermolysis Bullosa- Pyloric Atresia Syndrome; ITGB4-Related Epidermolysis Bullosa with Pyloric Atresia. Identifiers: Orphanet 79403, MedGen C5676875, MONDO:0009183, OMIM 226730.

Allele frequency attached by ClinVar (database versions not stated): gnomAD 0.00001.
gnomAD v4.1: 2 of 1,612,854 alleles (0.00012%); highest among the groups gnomAD compares: Non-Finnish European, 0.00017%; no homozygotes.

Submissions (2):

Labcorp Genetics (formerly Invitae), Labcorp
Classification: Pathogenic. Last evaluated: 2023-05-09. Review status: criteria provided, single submitter. Criteria: Invitae Variant Classification Sherloc (09022015). Collection method: clinical testing. Allele origin: germline.
Comment: This variant is also known as 3986-19T>A. This variant has been observed in individual(s) with autosomal recessive epidermolysis bullosa (PMID: 10484780, 22674212, 33274474). In at least one individual the data is consistent with being in trans (on the opposite chromosome) from a pathogenic variant. This variant is present in population databases (no rsID available, gnomAD 0.007%). ClinVar contains an entry for this variant (Variation ID: 14739). Studies have shown that this variant is associated with altered splicing resulting in multiple RNA products (PMID: 10484780, 22674212). This sequence change falls in intron 31 of the ITGB4 gene. It does not directly change the encoded amino acid sequence of the ITGB4 protein. For these reasons, this variant has been classified as Pathogenic.

OMIM
Classification: Pathogenic for EPIDERMOLYSIS BULLOSA, JUNCTIONAL 5B, WITH PYLORIC ATRESIA. Last evaluated: 1999-10-01. Review status: no assertion criteria provided. Collection method: literature only. Allele origin: germline. Not counted in ClinVar's aggregate classification.

Literature cited by the submitters: PubMed 10484780 (cited by Labcorp Genetics (formerly Invitae), Labcorp and OMIM); PubMed 22674212 (cited by Labcorp Genetics (formerly Invitae), Labcorp); PubMed 33274474 (cited by Labcorp Genetics (formerly Invitae), Labcorp).

NM_000213.5(ITGB4):c.3977-19T>A

Genes: GALK1 (galactokinase 1; minus strand), ITGB4 (integrin subunit beta 4; plus strand). Cytogenetic location: 17q25.1.
Variant type: single nucleotide variant.
Coding change: c.3977-19T>A on transcript NM_000213.5 (MANE Select); 19 bases into the intron before coding-DNA position 3977, T replaced by A.
Molecular consequence: intron variant.
Genome position (GRCh38, 1-based): chr17:75,752,427, T>A. VCF-style: chr17-75752427-T-A. GRCh37 (hg19) VCF-style: chr17-73748508-T-A.
Other names: IVS31DS, T-A, -19; c.3977-19T>A (NM_001005619.2, NM_001005731.3, NM_001438834.1 and 1 more transcripts); c.*23-690A>T (NM_001381985.1).
Identifiers: ClinVar variation 14739 (VCV000014739.7), dbSNP rs1434530468, ClinGen allele CA627596326.